The following is an entry in ClinVar:

ClinVar aggregate classification (germline): Uncertain significance (1 of 4 stars; one submission).

Conditions:
Inborn genetic diseases. Identifiers: MedGen C0950123, MeSH D030342.

Submission:

Ambry Genetics
Classification: Uncertain significance for Inborn genetic diseases. Last evaluated: 2026-07-17. Review status: criteria provided, single submitter. Criteria: Ambry Variant Classification Scheme 2023. Collection method: clinical testing. Allele origin: germline.
Comment: The p.R845S variant (also known as c.2535G>T), located in coding exon 22 of the ANKRD26 gene, results from a G to T substitution at nucleotide position 2535. The arginine at codon 845 is replaced by serine, an amino acid with dissimilar properties. This amino acid position is conserved. In addition, this alteration is predicted to be tolerated by in silico analysis. Based on the available evidence, the clinical significance of this variant remains unclear.

NM_014915.3(ANKRD26):c.2535G>T (p.Arg845Ser)

Gene: ANKRD26 (ankyrin repeat domain 26; minus strand). Cytogenetic location: 10p12.1.
Variant type: single nucleotide variant.
Coding change: c.2535G>T on transcript NM_014915.3 (MANE Select); coding-DNA position 2535, G replaced by T.
Protein change: p.Arg845Ser; replaces arginine 845 with serine.
Molecular consequence: missense variant.
Genome position (GRCh38, 1-based): chr10:27,037,895, C>A on the plus strand (G>T on the coding strand, the complement: ANKRD26 is on the minus strand). VCF-style: chr10-27037895-C-A. GRCh37 (hg19) VCF-style: chr10-27326824-C-A.
Other names: c.2532G>T, p.Arg844Ser (NM_001256053.2); short protein forms R844S, R845S.
Identifiers: ClinVar variation 5023127 (VCV005023127.1).